The following is an entry in ClinVar:

NM_006610.4(MASP2):c.1187G>A (p.Cys396Tyr)

Gene: MASP2 (MBL associated serine protease 2; minus strand). Cytogenetic location: 1p36.22.
Variant type: single nucleotide variant.
Coding change: c.1187G>A on transcript NM_006610.4 (MANE Select); coding-DNA position 1187, G replaced by A.
Protein change: p.Cys396Tyr; replaces cysteine 396 with tyrosine.
Molecular consequence: missense variant.
Genome position (GRCh38, 1-based): chr1:11,030,783, C>T on the plus strand (G>A on the coding strand, the complement: MASP2 is on the minus strand). VCF-style: chr1-11030783-C-T. GRCh37 (hg19) VCF-style: chr1-11090840-C-T.
Other names: short protein forms C396Y.
Identifiers: ClinVar variation 874852 (VCV000874852.7), dbSNP rs185903926, ClinGen allele CA586772.

ClinVar aggregate classification (germline): Uncertain significance. Review status: criteria provided, multiple submitters, no conflicts (2 of 4 stars). 4 submissions from 4 submitters: Uncertain significance (3). 1 of the submissions does not count toward it. Last evaluated 2024-10-16.

Conditions:
Immunodeficiency due to MASP-2 deficiency. Also called: MASP2 deficiency; LECTIN COMPLEMENT ACTIVATION PATHWAY, DEFECT IN, 2. Identifiers: Orphanet 331187, MedGen C3151085, MONDO:0013423, OMIM 613791.

Allele frequency attached by ClinVar (database versions not stated): 1000 Genomes Project 30x 0.00016; gnomAD 0.00016 and 0.00018; gnomAD exomes 0.00017 and 0.00018; ExAC 0.00018; TOPMed 0.00018; 1000 Genomes Project 0.00020; ESP Exome Variant Server 0.00038.
gnomAD v4.1: 287 of 1,613,814 alleles (0.018%); highest among the groups gnomAD compares: Non-Finnish European, 0.023%; no homozygotes.

Submissions (4):

Blueprint Genetics
Classification: Uncertain significance. Last evaluated: 2024-10-16. Review status: criteria provided, single submitter. Criteria: ACMG Guidelines, 2015. Collection method: clinical testing. Allele origin: germline.

Clinical Genomics Laboratory, Washington University in St. Louis
Classification: Uncertain significance for Immunodeficiency due to MASP-2 deficiency. Last evaluated: 2024-07-30. Review status: criteria provided, single submitter. Criteria: ACMG Guidelines, 2015. Collection method: clinical testing. Allele origin: germline.
Comment: The MASP2 c.1187G>A (p.Cys396Tyr) variant, to our knowledge, has not been reported in the medical literature but has been reported in the ClinVar database as a germline variant of uncertain significance by one submitter. This variant is only observed on 50/282,182 alleles in the general population (gnomAD v.2.1.1), indicating it is not a common variant. This variant occurs in a sushi domain, also known as a CCP domain, which is highly conserved and includes four invariant cysteine residues that form disulfide bridges. This variant occurs in one of the invariant cysteine residues and computational predictors indicate that the variant is damaging, evidence that correlates with impact to MASP2 function. Due to limited information, the clinical significance of this variant is uncertain.

Illumina Laboratory Services, Illumina
Classification: Uncertain significance for Immunodeficiency due to MASP-2 deficiency. Last evaluated: 2018-01-13. Review status: criteria provided, single submitter. Criteria: ICSL Variant Classification Criteria 13 December 2019. Collection method: clinical testing. Allele origin: germline.

Laboratory of Research in Genomics, Genetics and Bioinformatics, Hospital Infantil de Mexico Federico Gomez
Classification: Likely pathogenic for Immunodeficiency due to MASP-2 deficiency. Last evaluated: 2025-04-08. Review status: no assertion criteria provided. Collection method: research. Allele origin: germline. Affected: yes. Not counted in ClinVar's aggregate classification.